The following is an entry in ClinVar:

NM_000574.5(CD55):c.1076T>C (p.Leu359Pro)

Gene: CD55 (CD55 molecule (Cromer blood group); plus strand). Cytogenetic location: 1q32.2.
Variant type: single nucleotide variant.
Coding change: c.1076T>C on transcript NM_000574.5 (MANE Select); coding-DNA position 1076, T replaced by C.
Protein change: p.Leu359Pro; replaces leucine 359 with proline.
Molecular consequence: missense variant. On other transcripts: non-coding transcript variant (1).
Genome position (GRCh38, 1-based): chr1:207,339,412, T>C. VCF-style: chr1-207339412-T-C. GRCh37 (hg19) VCF-style: chr1-207512757-T-C.
Other names: c.1076T>C, p.Leu359Pro (NM_001114752.3, NM_001300902.2, NM_001300903.2 and 1 more transcripts); short protein forms L359P.
Identifiers: ClinVar variation 1516049 (VCV001516049.5), dbSNP rs771106629, ClinGen allele CA1368203.

ClinVar aggregate classification (germline): Uncertain significance (1 of 4 stars; one submission).

Allele frequency attached by ClinVar (database versions not stated): gnomAD 0.00001; gnomAD exomes 0.00001 and 0.00002; TOPMed 0.00001; ExAC 0.00002.
gnomAD v4.1: 20 of 1,607,700 alleles (0.0012%); highest among the groups gnomAD compares: Admixed American, 0.0017%; no homozygotes.

Submission:

Labcorp Genetics (formerly Invitae), Labcorp
Classification: Uncertain significance. Last evaluated: 2021-08-26. Review status: criteria provided, single submitter. Criteria: Invitae Variant Classification Sherloc (09022015). Collection method: clinical testing. Allele origin: germline.
Comment: This sequence change replaces leucine with proline at codon 359 of the CD55 protein (p.Leu359Pro). The leucine residue is weakly conserved and there is a moderate physicochemical difference between leucine and proline. This variant is present in population databases (rs771106629, ExAC 0.004%). This variant has not been reported in the literature in individuals affected with CD55-related conditions. Algorithms developed to predict the effect of missense changes on protein structure and function are either unavailable or do not agree on the potential impact of this missense change (SIFT: "Deleterious"; PolyPhen-2: "Benign"; Align-GVGD: "Class C0"). In summary, the available evidence is currently insufficient to determine the role of this variant in disease. Therefore, it has been classified as a Variant of Uncertain Significance.